The following is an entry in ClinVar:

NM_004064.5(CDKN1B):c.487C>T (p.Gln163Ter)

Gene: CDKN1B (cyclin dependent kinase inhibitor 1B; plus strand). Cytogenetic location: 12p13.1.
Variant type: single nucleotide variant.
Coding change: c.487C>T on transcript NM_004064.5 (MANE Select); coding-DNA position 487, C replaced by T.
Protein change: p.Gln163Ter; replaces glutamine 163 with a stop codon.
Molecular consequence: nonsense.
Genome position (GRCh38, 1-based): chr12:12,718,836, C>T. VCF-style: chr12-12718836-C-T. GRCh37 (hg19) VCF-style: chr12-12871770-C-T.
Other names: short protein forms Q163*.
Identifiers: ClinVar variation 1452550 (VCV001452550.9), dbSNP rs1202861028, ClinGen allele CA383972585.

ClinVar aggregate classification (germline): Pathogenic. Review status: criteria provided, multiple submitters, no conflicts (2 of 4 stars). 2 submissions from 2 submitters: Pathogenic (2). Last evaluated 2025-08-20.

Conditions:
Multiple endocrine neoplasia type 4. Also called: MULTIPLE ENDOCRINE NEOPLASIA, TYPE IV. Identifiers: Orphanet 276152, MedGen C1970712, MONDO:0012552, OMIM 610755.
Hereditary cancer-predisposing syndrome. Also called: Hereditary Cancer Syndrome; Hereditary neoplastic syndrome; Tumor predisposition; Neoplastic Syndromes, Hereditary. Identifiers: Orphanet 140162, MedGen C0027672, MeSH D009386, MONDO:0015356.

Submissions (2):

Ambry Genetics
Classification: Pathogenic for Hereditary cancer-predisposing syndrome. Last evaluated: 2025-08-20. Review status: criteria provided, single submitter. Criteria: Ambry Variant Classification Scheme 2023. Collection method: clinical testing. Allele origin: germline.
Comment: The p.Q163* pathogenic mutation (also known as c.487C>T), located in coding exon 2 of the CDKN1B gene, results from a C to T substitution at nucleotide position 487. This changes the amino acid from a glutamine to a stop codon within coding exon 2. This variant is considered to be rare based on population cohorts in the Genome Aggregation Database (gnomAD). This alteration is expected to result in loss of function by premature protein truncation or nonsense-mediated mRNA decay. As such, this alteration is interpreted as a disease-causing mutation.

Labcorp Genetics (formerly Invitae), Labcorp
Classification: Pathogenic for Multiple endocrine neoplasia type 4. Last evaluated: 2025-07-07. Review status: criteria provided, single submitter. Criteria: Invitae Variant Classification Sherloc (09022015). Collection method: clinical testing. Allele origin: germline.
Comment: This sequence change creates a premature translational stop signal (p.Gln163*) in the CDKN1B gene. It is expected to result in an absent or disrupted protein product. Loss-of-function variants in CDKN1B are known to be pathogenic (PMID: 17030811, 24819502). This variant is not present in population databases (gnomAD no frequency). This variant has not been reported in the literature in individuals affected with CDKN1B-related conditions. ClinVar contains an entry for this variant (Variation ID: 1452550). For these reasons, this variant has been classified as Pathogenic.

Literature cited by the submitters: PubMed 17030811 (cited by Labcorp Genetics (formerly Invitae), Labcorp); PubMed 24819502 (cited by Labcorp Genetics (formerly Invitae), Labcorp).